The following is an entry in ClinVar:

NM_007327.4(GRIN1):c.2313C>T (p.Asn771=)

Gene: GRIN1 (glutamate ionotropic receptor NMDA type subunit 1; plus strand). Cytogenetic location: 9q34.3.
Variant type: single nucleotide variant.
Coding change: c.2313C>T on transcript NM_007327.4 (MANE Select); coding-DNA position 2313, C replaced by T.
Protein change: p.Asn771=; no amino-acid change (asparagine 771 retained).
Molecular consequence: synonymous variant.
Genome position (GRCh38, 1-based): chr9:137,163,310, C>T. VCF-style: chr9-137163310-C-T. GRCh37 (hg19) VCF-style: chr9-140057762-C-T.
Other names: c.2313C>T, p.Asn771= (NM_000832.7, NM_021569.4); c.2376C>T, p.Asn792= (NM_001185090.2, NM_001185091.2).
Identifiers: ClinVar variation 539845 (VCV000539845.13), dbSNP rs201881481, ClinGen allele CA5361094.

ClinVar aggregate classification (germline): Likely benign. Review status: criteria provided, single submitter (1 of 4 stars). 2 submissions from 2 submitters: Likely benign (1). 1 of the submissions does not count toward it. Last evaluated 2024-10-22.

Conditions:
Neurodevelopmental disorder with or without hyperkinetic movements and seizures, autosomal dominant. Also called: Intellectual disability, autosomal dominant 8. Identifiers: MedGen C3280282, MONDO:0013655, OMIM 614254.
GRIN1-related disorder. Also called: GRIN1-related condition.

Allele frequency attached by ClinVar (database versions not stated): gnomAD below 0.00001 and 0.00002; TOPMed below 0.00001; gnomAD exomes 0.00007; ExAC 0.00009; 1000 Genomes Project 0.00060; 1000 Genomes Project 30x 0.00062.
gnomAD v4.1: 62 of 1,613,678 alleles (0.0038%); highest among the groups gnomAD compares: South Asian, 0.064%; no homozygotes.

Submissions (2):

Labcorp Genetics (formerly Invitae), Labcorp
Classification: Likely benign for Neurodevelopmental disorder with or without hyperkinetic movements and seizures, autosomal dominant. Last evaluated: 2024-10-22. Review status: criteria provided, single submitter. Criteria: Invitae Variant Classification Sherloc (09022015). Collection method: clinical testing. Allele origin: germline.

PreventionGenetics, part of Exact Sciences
Classification: Likely benign for GRIN1-related condition. Last evaluated: 2019-07-12. Review status: no assertion criteria provided. Collection method: clinical testing. Allele origin: germline. Not counted in ClinVar's aggregate classification.
Comment: This variant is classified as likely benign based on ACMG/AMP sequence variant interpretation guidelines (Richards et al. 2015 PMID: 25741868, with internal and published modifications).